The following is an entry in ClinVar:

ClinVar aggregate classification (germline): Uncertain significance. Review status: criteria provided, multiple submitters, no conflicts (2 of 4 stars). 2 submissions from 2 submitters: Uncertain significance (2). Last evaluated 2019-12-18.

Conditions:
Cardiovascular phenotype. Identifiers: MedGen CN230736.
Long QT syndrome (LQTS). Identifiers: MedGen C0023976, MeSH D008133, MONDO:0002442. Disease mechanism: loss of function. Inheritance: Various modes of inheritance.

Allele frequency attached by ClinVar (database versions not stated): gnomAD exomes below 0.00001; ExAC 0.00001.
gnomAD v4.1: 1 of 1,614,098 alleles (0.000062%); highest among the groups gnomAD compares: Admixed American, 0.0017%; no homozygotes.

Submissions (2):

Labcorp Genetics (formerly Invitae), Labcorp
Classification: Uncertain significance for Long QT syndrome. Last evaluated: 2019-12-18. Review status: criteria provided, single submitter. Criteria: Invitae Variant Classification Sherloc (09022015). Collection method: clinical testing. Allele origin: germline.
Comment: In summary, the available evidence is currently insufficient to determine the role of this variant in disease. Therefore, it has been classified as a Variant of Uncertain Significance. Algorithms developed to predict the effect of missense changes on protein structure and function do not agree on the potential impact of this missense change (SIFT: "Tolerated"; PolyPhen-2: "Probably Damaging"; Align-GVGD: "Class C0"). This variant has not been reported in the literature in individuals with ANK2-related disease. This variant is present in population databases (rs766019055, ExAC 0.009%). This sequence change replaces alanine with threonine at codon 1214 of the ANK2 protein (p.Ala1214Thr). The alanine residue is highly conserved and there is a small physicochemical difference between alanine and threonine.

Ambry Genetics
Classification: Uncertain significance for Cardiovascular phenotype. Last evaluated: 2018-10-30. Review status: criteria provided, single submitter. Criteria: Ambry Variant Classification Scheme 2023. Collection method: clinical testing. Allele origin: germline.
Comment: The p.A1214T variant (also known as c.3640G>A), located in coding exon 31 of the ANK2 gene, results from a G to A substitution at nucleotide position 3640. The alanine at codon 1214 is replaced by threonine, an amino acid with similar properties. This amino acid position is highly conserved in available vertebrate species. In addition, this alteration is predicted to be deleterious by in silico analysis. Since supporting evidence is limited at this time, the clinical significance of this alteration remains unclear.

NM_001148.6(ANK2):c.3640G>A (p.Ala1214Thr)

Gene: ANK2 (ankyrin 2; plus strand). Cytogenetic location: 4q26.
Variant type: single nucleotide variant.
Coding change: c.3640G>A on transcript NM_001148.6 (MANE Select); coding-DNA position 3640, G replaced by A.
Protein change: p.Ala1214Thr; replaces alanine 1214 with threonine.
Molecular consequence: missense variant.
Genome position (GRCh38, 1-based): chr4:113,336,625, G>A. VCF-style: chr4-113336625-G-A. GRCh37 (hg19) VCF-style: chr4-114257781-G-A.
Other names: c.3613G>A, p.Ala1205Thr (NM_001127493.3); c.3652G>A, p.Ala1218Thr (NM_001354225.2); c.3541G>A, p.Ala1181Thr (NM_001354228.2, NM_001354258.2); c.3619G>A, p.Ala1207Thr (NM_001354230.2); c.3682G>A, p.Ala1228Thr (NM_001354231.2, NM_001354242.2); c.3676G>A, p.Ala1226Thr (NM_001354232.2); c.3637G>A, p.Ala1213Thr (NM_001354235.2, NM_001354246.2, NM_001354265.2); c.3538G>A, p.Ala1180Thr (NM_001354236.2); and 31 more; short protein forms A1181T, A1197T, A1214T, A1228T, A390T, A1143T, A1159T, A1205T.
Identifiers: ClinVar variation 854507 (VCV000854507.8), dbSNP rs766019055, ClinGen allele CA3050894.
Genomic context (GRCh38, chr4:113,336,625, plus strand): 5'-TACTTTGAAAAGGCTCAACCTATGCACAGTGAGCTGGTTAAGAAGATCCTAGGCAACAAA[G>A]CTACCTTCAGCCCTATAGTCACTTTGGAACCTAGAAGAAGAAAATTCCACAAACCAATTA-3'
Protein context (NP_001139.3, residues 1204-1224): ELVKKILGNK[Ala1214Thr]TFSPIVTLEP